The following is an entry in ClinVar:

NM_018957.6(SH3BP1):c.1182G>A (p.Glu394=)

Genes: PDXP-DT (PDXP divergent transcript; minus strand), SH3BP1 (SH3 domain binding protein 1; plus strand). Cytogenetic location: 22q13.1.
Variant type: single nucleotide variant.
Coding change: c.1182G>A on transcript NM_018957.6 (MANE Select); coding-DNA position 1182, G replaced by A.
Protein change: p.Glu394=; no amino-acid change (glutamic acid 394 retained).
Molecular consequence: synonymous variant.
Genome position (GRCh38, 1-based): chr22:37,647,504, G>A. VCF-style: chr22-37647504-G-A. GRCh37 (hg19) VCF-style: chr22-38043511-G-A.
Other names: c.1182G>A, p.Glu394= (NM_001350055.2).
Identifiers: ClinVar variation 2653117 (VCV002653117.24), dbSNP rs369646982, ClinGen allele CA10222103.

ClinVar aggregate classification (germline): Likely benign (1 of 4 stars; one submission).

Allele frequency attached by ClinVar (database versions not stated): ESP Exome Variant Server 0.00023; TOPMed 0.00060; gnomAD 0.00075; ExAC 0.00091.
gnomAD v4.1: 1,680 of 1,604,846 alleles (0.1%); highest among the groups gnomAD compares: Non-Finnish European, 0.13%; 3 homozygotes.

Submission:

CeGaT Center for Human Genetics Tuebingen
Classification: Likely benign. Last evaluated: 2022-06-01. Review status: criteria provided, single submitter. Criteria: CeGaT Center For Human Genetics Tuebingen Variant Classification Criteria Version 2. Collection method: clinical testing. Allele origin: germline. Affected: yes. Observed: 1 variant allele.
Comment: SH3BP1: BP4, BP7